The following is an entry in ClinVar:

NM_001098816.3(TENM4):c.6709C>T (p.Leu2237=)

Gene: TENM4 (teneurin transmembrane protein 4; minus strand). Cytogenetic location: 11q14.1.
Variant type: single nucleotide variant.
Coding change: c.6709C>T on transcript NM_001098816.3 (MANE Select); coding-DNA position 6709, C replaced by T.
Protein change: p.Leu2237=; no amino-acid change (leucine 2237 retained).
Molecular consequence: synonymous variant.
Genome position (GRCh38, 1-based): chr11:78,669,636, G>A on the plus strand (C>T on the coding strand, the complement: TENM4 is on the minus strand). VCF-style: chr11-78669636-G-A. GRCh37 (hg19) VCF-style: chr11-78380681-G-A.
Identifiers: ClinVar variation 3047506 (VCV003047506.2), dbSNP rs2135669863, ClinGen allele CA476150546.
Genomic context (GRCh38, chr11:78,669,636, plus strand): 5'-CATCCATCTTGTATTGCACGTCACCCAGCCGAGTGATGCGGTCGCGGATGTCATACCGTA[G>A]TGGTGTGAGCCGTGCACTGTTCCCAGGGCTCAGTAAGTGCAGGTTCCCATTGAGGTCGTA-3'
Protein context (NP_001092286.2, residues 2227-2247): SPGNSARLTP[Leu2237=]RYDIRDRITR

ClinVar aggregate classification (germline): Likely benign (0 of 4 stars; one submission).

Conditions:
TENM4-related disorder. Also called: TENM4-related condition.

Submission:

PreventionGenetics, part of Exact Sciences
Classification: Likely benign for TENM4-related condition. Last evaluated: 2019-02-20. Review status: no assertion criteria provided. Collection method: clinical testing. Allele origin: germline.
Comment: This variant is classified as likely benign based on ACMG/AMP sequence variant interpretation guidelines (Richards et al. 2015 PMID: 25741868, with internal and published modifications).